The following is an entry in ClinVar:

ClinVar aggregate classification (germline): Uncertain significance. Review status: criteria provided, multiple submitters, no conflicts (2 of 4 stars). 2 submissions from 2 submitters: Uncertain significance (2). Last evaluated 2022-03-19.

Conditions:
Generalized epilepsy-paroxysmal dyskinesia syndrome (PNKD3). Also called: Paroxysmal nonkinesigenic dyskinesia, 3, with or without generalized epilepsy; Generalized epilepsy and paroxysmal dyskinesia. Identifiers: Orphanet 79137, MedGen C5574945, MONDO:0012276, OMIM 609446.

Allele frequency attached by ClinVar (database versions not stated): TOPMed below 0.00001.

Submissions (2):

Labcorp Genetics (formerly Invitae), Labcorp
Classification: Uncertain significance for Generalized epilepsy-paroxysmal dyskinesia syndrome. Last evaluated: 2022-03-19. Review status: criteria provided, single submitter. Criteria: Invitae Variant Classification Sherloc (09022015). Collection method: clinical testing. Allele origin: germline.
Comment: In summary, the available evidence is currently insufficient to determine the role of this variant in disease. Therefore, it has been classified as a Variant of Uncertain Significance. Algorithms developed to predict the effect of missense changes on protein structure and function output the following: SIFT: "Tolerated"; PolyPhen-2: "Possibly Damaging"; Align-GVGD: "Class C0". The proline amino acid residue is found in multiple mammalian species, which suggests that this missense change does not adversely affect protein function. ClinVar contains an entry for this variant (Variation ID: 1303281). This variant has not been reported in the literature in individuals affected with KCNMA1-related conditions. This variant is not present in population databases (gnomAD no frequency). This sequence change replaces serine, which is neutral and polar, with proline, which is neutral and non-polar, at codon 59 of the KCNMA1 protein (p.Ser59Pro).

GeneDx
Classification: Uncertain significance. Last evaluated: 2019-10-02. Review status: criteria provided, single submitter. Criteria: GeneDx Variant Classification Process June 2021. Collection method: clinical testing. Allele origin: germline. Affected: yes.
Comment: Not observed in large population cohorts (Lek et al., 2016); In silico analysis, which includes protein predictors and evolutionary conservation, supports that this variant does not alter protein structure/function; Has not been previously published as pathogenic or benign to our knowledge

NM_001161352.2(KCNMA1):c.175T>C (p.Ser59Pro)

Gene: KCNMA1 (potassium calcium-activated channel subfamily M alpha 1; minus strand). Cytogenetic location: 10q22.3.
Variant type: single nucleotide variant.
Coding change: c.175T>C on transcript NM_001161352.2 (MANE Select); coding-DNA position 175, T replaced by C.
Protein change: p.Ser59Pro; replaces serine 59 with proline.
Molecular consequence: missense variant.
Genome position (GRCh38, 1-based): chr10:77,637,468, A>G on the plus strand (T>C on the coding strand, the complement: KCNMA1 is on the minus strand). VCF-style: chr10-77637468-A-G. GRCh37 (hg19) VCF-style: chr10-79397226-A-G.
Other names: c.175T>C, p.Ser59Pro (NM_001014797.3, NM_001161353.2, NM_001271518.2 and 12 more transcripts); short protein forms S59P.
Identifiers: ClinVar variation 1303281 (VCV001303281.9), dbSNP rs2093880726, ClinGen allele CA377412620.